The following is an entry in ClinVar:

ClinVar aggregate classification (germline): Uncertain significance (1 of 4 stars; one submission).

Conditions:
Ehlers-Danlos syndrome, classic type, 1 (EDSCL1). Also called: EHLERS-DANLOS SYNDROME, GRAVIS TYPE; EHLERS-DANLOS SYNDROME, SEVERE CLASSIC TYPE; Ehlers-Danlos syndrome, type 1; EDS I; Ehlers-Danlos Syndrome, Classic Type, COL5A1-Related. Identifiers: MedGen C0268335, MONDO:0019567, OMIM 130000.

Submission:

Labcorp Genetics (formerly Invitae), Labcorp
Classification: Uncertain significance for Ehlers-Danlos syndrome, classic type, 1. Last evaluated: 2021-05-31. Review status: criteria provided, single submitter. Criteria: Invitae Variant Classification Sherloc (09022015). Collection method: clinical testing. Allele origin: germline.
Comment: This variant is not present in population databases (ExAC no frequency). In summary, the available evidence is currently insufficient to determine the role of this variant in disease. Therefore, it has been classified as a Variant of Uncertain Significance. Algorithms developed to predict the effect of missense changes on protein structure and function (SIFT, PolyPhen-2, Align-GVGD) all suggest that this variant is likely to be disruptive, but these predictions have not been confirmed by published functional studies and their clinical significance is uncertain. This variant has not been reported in the literature in individuals with COL5A2-related conditions. This sequence change replaces arginine with proline at codon 572 of the COL5A2 protein (p.Arg572Pro). The arginine residue is highly conserved and there is a moderate physicochemical difference between arginine and proline.

NM_000393.5(COL5A2):c.1715G>C (p.Arg572Pro)

Gene: COL5A2 (collagen type V alpha 2 chain; minus strand). Cytogenetic location: 2q32.2.
Variant type: single nucleotide variant.
Coding change: c.1715G>C on transcript NM_000393.5 (MANE Select); coding-DNA position 1715, G replaced by C.
Protein change: p.Arg572Pro; replaces arginine 572 with proline.
Molecular consequence: missense variant.
Genome position (GRCh38, 1-based): chr2:189,064,558, C>G on the plus strand (G>C on the coding strand, the complement: COL5A2 is on the minus strand). VCF-style: chr2-189064558-C-G. GRCh37 (hg19) VCF-style: chr2-189929284-C-G.
Other names: short protein forms R572P.
Identifiers: ClinVar variation 1357988 (VCV001357988.8), dbSNP rs760408439, ClinGen allele CA349880664.
Genomic context (GRCh38, chr2:189,064,558, plus strand): 5'-AATGCATGCTCAGGAGCACTTCTCCCCTTTGATGTAGCAAACACTTGCTATATTCTTACC[C>G]GAGCACCTGGAAGCCCAGGTTCCCCTGGACGTCCTGGATCCCCCTGGCTTCCTTTGGGTC-3'
Protein context (NP_000384.2, residues 562-582): RPGEPGLPGA[Arg572Pro]GLTGNPGVQG